The following is an entry in ClinVar:

NM_003119.4(SPG7):c.1247A>G (p.Lys416Arg)

Gene: SPG7 (SPG7 matrix AAA peptidase subunit, paraplegin; plus strand). Cytogenetic location: 16q24.3.
Variant type: single nucleotide variant.
Coding change: c.1247A>G on transcript NM_003119.4 (MANE Select); coding-DNA position 1247, A replaced by G.
Protein change: p.Lys416Arg; replaces lysine 416 with arginine.
Molecular consequence: missense variant.
Genome position (GRCh38, 1-based): chr16:89,532,559, A>G. VCF-style: chr16-89532559-A-G. GRCh37 (hg19) VCF-style: chr16-89598967-A-G.
Other names: c.1247A>G, p.Lys416Arg (NM_001363850.1, NM_199367.3); c.1247A>G (NM_003119.2); short protein forms K416R.
Identifiers: ClinVar variation 1049195 (VCV001049195.2), dbSNP rs1025013854, ClinGen allele CA286545363.

ClinVar aggregate classification (germline): Uncertain significance. Review status: criteria provided, single submitter (1 of 4 stars). 2 submissions from 2 submitters: Uncertain significance (1). 1 of the submissions does not count toward it. Last evaluated 2024-08-15.

Allele frequency attached by ClinVar (database versions not stated): gnomAD exomes 0.00001; TOPMed 0.00001; gnomAD 0.00001.
gnomAD v4.1: 13 of 1,613,686 alleles (0.00081%); highest among the groups gnomAD compares: Non-Finnish European, 0.0011%; no homozygotes.

Submissions (2):

GeneDx
Classification: Uncertain significance. Last evaluated: 2024-08-15. Review status: criteria provided, single submitter. Criteria: GeneDx Variant Classification Process June 2021. Collection method: clinical testing. Allele origin: germline. Affected: yes.
Comment: Not observed at significant frequency in large population cohorts (gnomAD); In silico analysis indicates that this missense variant does not alter protein structure/function; Has not been previously published as pathogenic or benign to our knowledge; This variant is associated with the following publications: (PMID: 22571692)

Department of Pathology and Laboratory Medicine, Sinai Health System
Classification: Uncertain significance. Review status: no assertion criteria provided. Collection method: clinical testing. Allele origin: unknown. Affected: yes. Study: The Canadian Open Genetics Repository (COGR). Not counted in ClinVar's aggregate classification.
Comment: The SPG7 p.Lys416Arg variant was not identified in the literature nor was it identified in ClinVar, Cosmic or LOVD 3.0. The variant was identified in dbSNP (ID: rs1025013854) and in control databases in 2 of 250762 chromosomes at a frequency of 0.000008 (Genome Aggregation Database Feb 27, 2017). The variant was observed in the following populations: Other in 1 of 6116 chromosomes (freq: 0.000164) and European (non-Finnish) in 1 of 113256 chromosomes (freq: 0.000009); it was not observed in the African, Latino, Ashkenazi Jewish, East Asian, European (Finnish) and South Asian populations. The variant occurs outside of the splicing consensus sequence and in silico or computational prediction software programs (SpliceSiteFinder, MaxEntScan, NNSPLICE, GeneSplicer) do not predict a difference in splicing. The p.Lys416 residue is conserved in mammals but not distantly related organisms and 4 of 5 computational analyses (PolyPhen-2, SIFT, AlignGVGD, BLOSUM) do not suggest a high likelihood of impact to the protein; this information is not predictive enough to rule out pathogenicity. In summary, based on the above information the clinical significance of this variant cannot be determined with certainty at this time. This variant is classified as a variant of uncertain significance.